The following is an entry in ClinVar:

NM_001100913.3(PACS2):c.487C>T (p.Pro163Ser)

Gene: PACS2 (phosphofurin acidic cluster sorting protein 2; plus strand). Cytogenetic location: 14q32.33.
Variant type: single nucleotide variant.
Coding change: c.487C>T on transcript NM_001100913.3 (MANE Select); coding-DNA position 487, C replaced by T.
Protein change: p.Pro163Ser; replaces proline 163 with serine.
Molecular consequence: missense variant.
Genome position (GRCh38, 1-based): chr14:105,367,276, C>T. VCF-style: chr14-105367276-C-T. GRCh37 (hg19) VCF-style: chr14-105833613-C-T.
Other names: c.286C>T, p.Pro96Ser (NM_001243127.3); c.487C>T, p.Pro163Ser (NM_015197.4); short protein forms P96S, P163S.
Identifiers: ClinVar variation 2821255 (VCV002821255.3), dbSNP rs1359644613, ClinGen allele CA391173308.

ClinVar aggregate classification (germline): Uncertain significance (1 of 4 stars; one submission).

Allele frequency attached by ClinVar (database versions not stated): gnomAD exomes below 0.00001.

Submission:

Labcorp Genetics (formerly Invitae), Labcorp
Classification: Uncertain significance. Last evaluated: 2023-03-27. Review status: criteria provided, single submitter. Criteria: Invitae Variant Classification Sherloc (09022015). Collection method: clinical testing. Allele origin: germline.
Comment: In summary, the available evidence is currently insufficient to determine the role of this variant in disease. Therefore, it has been classified as a Variant of Uncertain Significance. Algorithms developed to predict the effect of missense changes on protein structure and function output the following: SIFT: "Not Available"; PolyPhen-2: "Benign"; Align-GVGD: "Not Available". The serine amino acid residue is found in multiple mammalian species, which suggests that this missense change does not adversely affect protein function. This variant has not been reported in the literature in individuals affected with PACS2-related conditions. This variant is not present in population databases (gnomAD no frequency). This sequence change replaces proline, which is neutral and non-polar, with serine, which is neutral and polar, at codon 163 of the PACS2 protein (p.Pro163Ser).